The following is an entry in ClinVar:

NM_000038.6(APC):c.2572del (p.Ile858fs)

Gene: APC (APC regulator of Wnt signaling pathway; plus strand). Cytogenetic location: 5q22.2.
Variant type: Deletion.
Coding change: c.2572del on transcript NM_000038.6 (MANE Select); coding-DNA position 2572, one base deleted (A; older notation c.2572delA).
Protein change: p.Ile858fs; shifts the reading frame from isoleucine 858.
Molecular consequence: frameshift variant. On other transcripts: non-coding transcript variant (2).
Genome position (GRCh38, 1-based): chr5:112,838,166, A deleted; the last of 2 consecutive A bases (chr5:112,838,165-112,838,166); deleting either gives the same sequence. VCF-style (leftmost placement, unchanged base first): chr5-112838164-GA-G. GRCh37 (hg19) VCF-style: chr5-112173861-GA-G.
Other names: c.2572del, p.Ile858fs (NM_001127510.3, NM_001354895.2, NM_001407450.1); c.2518del, p.Ile840fs (NM_001127511.3); c.2626del, p.Ile876fs (NM_001354896.2, NM_001407447.1, NM_001407448.1 and 1 more transcripts); c.2602del, p.Ile868fs (NM_001354897.2); c.2497del, p.Ile833fs (NM_001354898.2); c.2488del, p.Ile830fs (NM_001354899.2); c.2449del, p.Ile817fs (NM_001354900.2); c.2395del, p.Ile799fs (NM_001354901.2, NM_001407453.1); and 11 more; short protein forms I474fs, I575fs, I698fs, I729fs, I732fs, I757fs, I767fs, I775fs.
Identifiers: ClinVar variation 2584176 (VCV002584176.1), dbSNP rs2533433193, ClinGen allele CA2582341321.

ClinVar aggregate classification (germline): Pathogenic (1 of 4 stars; one submission).

Conditions:
Familial adenomatous polyposis 1 (FAP1). Also called: FAMILIAL ADENOMATOUS POLYPOSIS 1, ATTENUATED; POLYPOSIS, ADENOMATOUS INTESTINAL. Identifiers: MedGen C2713442, MONDO:0021056, OMIM 175100. Disease mechanism: loss of function.

Submission:

Myriad Genetics, Inc.
Classification: Pathogenic for Familial adenomatous polyposis 1. Last evaluated: 2023-05-04. Review status: criteria provided, single submitter. Criteria: Myriad Autosomal Dominant, Autosomal Recessive and X-Linked Classification Criteria (2023). Collection method: clinical testing. Allele origin: unknown.
Comment: This variant is considered pathogenic. This variant creates a frameshift predicted to result in premature protein truncation.